The following is an entry in ClinVar:

NM_001386298.1(CIC):c.4498del (p.Leu1500fs)

Gene: CIC (capicua transcriptional repressor; plus strand). Cytogenetic location: 19q13.2.
Variant type: Deletion.
Coding change: c.4498del on transcript NM_001386298.1 (MANE Select); coding-DNA position 4498, one base deleted (C; older notation c.4498delC).
Protein change: p.Leu1500fs; shifts the reading frame from leucine 1500.
Molecular consequence: frameshift variant.
Genome position (GRCh38, 1-based): chr19:42,290,539, C deleted; the last of 2 consecutive C bases (chr19:42,290,538-42,290,539); deleting either gives the same sequence. VCF-style (leftmost placement, unchanged base first): chr19-42290537-TC-T. GRCh37 (hg19) VCF-style: chr19-42794689-TC-T.
Other names: c.4498del, p.Leu1500fs (NM_001304815.2, NM_001379480.1, NM_001379482.1); c.4498delC, p.Leu1500Serfs (NM_001379483.1); c.1771del, p.Leu591fs (NM_001379484.1, NM_001379485.1, NM_015125.5); short protein forms L1500fs, L591fs.
Identifiers: ClinVar variation 2630463 (VCV002630463.1), dbSNP rs2513935362, ClinGen allele CA2695198210.

ClinVar aggregate classification (germline): Likely pathogenic (1 of 4 stars; one submission).

Conditions:
CIC-related disorder. Also called: CIC-related condition.

Submission:

PreventionGenetics, part of Exact Sciences
Classification: Likely pathogenic for CIC-related condition. Last evaluated: 2023-02-22. Review status: criteria provided, single submitter. Criteria: ACMG Guidelines, 2015. Collection method: clinical testing. Allele origin: germline.
Comment: The CIC c.1771delC variant is predicted to result in a frameshift and premature protein termination (p.Leu591Serfs*137). To our knowledge, this variant has not been reported in the literature or in a large population database, indicating this variant is rare. Frameshift variants in CIC are expected to be pathogenic. This variant is interpreted as likely pathogenic.